The following is an entry in ClinVar:

ClinVar aggregate classification (germline): Uncertain significance. Review status: criteria provided, multiple submitters, no conflicts (2 of 4 stars). 2 submissions from 2 submitters: Uncertain significance (2). Last evaluated 2021-06-07.

Conditions:
Pseudohypoaldosteronism type 2C (PHA2C). Also called: Pseudohypoaldosteronism Type IIC. Identifiers: Orphanet 757, Orphanet 88940, MedGen C1840391, MONDO:0013778, OMIM 614492.
Neuropathy, hereditary sensory and autonomic, type 2A (HSAN2A). Also called: ACROOSTEOLYSIS, GIACCAI TYPE; ACROOSTEOLYSIS, NEUROGENIC; MORVAN DISEASE; NEUROPATHY, CONGENITAL SENSORY; NEUROPATHY, HEREDITARY SENSORY RADICULAR, AUTOSOMAL RECESSIVE; NEUROPATHY, HEREDITARY SENSORY, TYPE IIA. Identifiers: Orphanet 970, MedGen C2752089, MONDO:0024309, OMIM 201300.
Inborn genetic diseases. Identifiers: MedGen C0950123, MeSH D030342.

Allele frequency attached by ClinVar (database versions not stated): gnomAD exomes below 0.00001; TOPMed below 0.00001.
gnomAD v4.1: 46 of 1,612,770 alleles (0.0029%); highest among the groups gnomAD compares: Non-Finnish European, 0.0037%; no homozygotes.

Submissions (2):

Labcorp Genetics (formerly Invitae), Labcorp
Classification: Uncertain significance for Neuropathy, hereditary sensory and autonomic, type 2A; Pseudohypoaldosteronism type 2C. Last evaluated: 2021-06-07. Review status: criteria provided, single submitter. Criteria: Invitae Variant Classification Sherloc (09022015). Collection method: clinical testing. Allele origin: germline.
Comment: In summary, the available evidence is currently insufficient to determine the role of this variant in disease. Therefore, it has been classified as a Variant of Uncertain Significance. Algorithms developed to predict the effect of missense changes on protein structure and function are either unavailable or do not agree on the potential impact of this missense change (SIFT: "Tolerated"; PolyPhen-2: "Not Available"; Align-GVGD: "Class C0"). This sequence change replaces proline with serine at codon 13 of the WNK1 protein (p.Pro13Ser). The proline residue is moderately conserved and there is a moderate physicochemical difference between proline and serine. This variant is not present in population databases (ExAC no frequency). This variant has not been reported in the literature in individuals with WNK1-related conditions.

Ambry Genetics
Classification: Uncertain significance for Inborn genetic diseases. Last evaluated: 2021-03-19. Review status: criteria provided, single submitter. Criteria: Ambry Variant Classification Scheme 2023. Collection method: clinical testing. Allele origin: germline.
Comment: The p.P13S variant (also known as c.37C>T), located in coding exon 1 of the WNK1 gene, results from a C to T substitution at nucleotide position 37. The proline at codon 13 is replaced by serine, an amino acid with similar properties. This amino acid position is well conserved in available vertebrate species. In addition, this alteration is predicted to be tolerated by in silico analysis. Since supporting evidence is limited at this time, the clinical significance of this alteration remains unclear.

NM_018979.4(WNK1):c.37C>T (p.Pro13Ser)

Gene: WNK1 (WNK lysine deficient protein kinase 1; plus strand). Cytogenetic location: 12p13.33.
Variant type: single nucleotide variant.
Coding change: c.37C>T on transcript NM_018979.4 (MANE Select); coding-DNA position 37, C replaced by T.
Protein change: p.Pro13Ser; replaces proline 13 with serine.
Molecular consequence: missense variant.
Genome position (GRCh38, 1-based): chr12:753,602, C>T. VCF-style: chr12-753602-C-T. GRCh37 (hg19) VCF-style: chr12-862768-C-T.
Other names: c.37C>T, p.Pro13Ser (NM_001184985.2, NM_014823.3, NM_213655.5); short protein forms P13S.
Identifiers: ClinVar variation 1003816 (VCV001003816.11), dbSNP rs1261454945, ClinGen allele CA383303402.
Genomic context (GRCh38, chr12:753,602, plus strand): 5'-TCGCCTCTCTCCAGCGAACCGACCATGTCTGGCGGCGCCGCAGAGAAGCAGAGCAGCACT[C>T]CCGGTTCCCTGTTCCTCTCGCCGCCGGCTCCTGCCCCCAAGAATGGCTCCAGCTCCGATT-3'
Protein context (NP_061852.3, residues 3-23): GGAAEKQSST[Pro13Ser]GSLFLSPPAP